The following is an entry in ClinVar:

ClinVar aggregate classification (germline): Uncertain significance (1 of 4 stars; one submission).

Submission:

Ambry Genetics
Classification: Uncertain significance. Last evaluated: 2023-04-28. Review status: criteria provided, single submitter. Criteria: Ambry Variant Classification Scheme 2023. Collection method: clinical testing. Allele origin: germline.
Comment: The p.S1726F variant (also known as c.5177C>T), located in coding exon 39 of the PRKDC gene, results from a C to T substitution at nucleotide position 5177. The serine at codon 1726 is replaced by phenylalanine, an amino acid with highly dissimilar properties. This amino acid position is conserved. Since supporting evidence is limited at this time, the clinical significance of this alteration remains unclear.

NM_006904.7(PRKDC):c.5177C>T (p.Ser1726Phe)

Gene: PRKDC (protein kinase, DNA-activated, catalytic subunit; minus strand). Cytogenetic location: 8q11.21.
Variant type: single nucleotide variant.
Coding change: c.5177C>T on transcript NM_006904.7 (MANE Select); coding-DNA position 5177, C replaced by T.
Protein change: p.Ser1726Phe; replaces serine 1726 with phenylalanine.
Molecular consequence: missense variant.
Genome position (GRCh38, 1-based): chr8:47,879,549, G>A on the plus strand (C>T on the coding strand, the complement: PRKDC is on the minus strand). VCF-style: chr8-47879549-G-A. GRCh37 (hg19) VCF-style: chr8-48792110-G-A.
Other names: c.5177C>T, p.Ser1726Phe (NM_001081640.2); short protein forms S1726F.
Identifiers: ClinVar variation 2561927 (VCV002561927.2), dbSNP rs2551872245, ClinGen allele CA371138472.